The following is an entry in ClinVar:

ClinVar aggregate classification (germline): Uncertain significance. Review status: criteria provided, multiple submitters, no conflicts (2 of 4 stars). 2 submissions from 2 submitters: Uncertain significance (2). Last evaluated 2023-10-10.

Submissions (2):

Blueprint Genetics
Classification: Uncertain significance. Last evaluated: 2023-10-10. Review status: criteria provided, single submitter. Criteria: ACMG Guidelines, 2015. Collection method: clinical testing. Allele origin: germline.

Labcorp Genetics (formerly Invitae), Labcorp
Classification: Uncertain significance. Last evaluated: 2022-06-03. Review status: criteria provided, single submitter. Criteria: Invitae Variant Classification Sherloc (09022015). Collection method: clinical testing. Allele origin: germline.
Comment: In summary, the available evidence is currently insufficient to determine the role of this variant in disease. Therefore, it has been classified as a Variant of Uncertain Significance. Algorithms developed to predict the effect of missense changes on protein structure and function (SIFT, PolyPhen-2, Align-GVGD) all suggest that this variant is likely to be disruptive. ClinVar contains an entry for this variant (Variation ID: 1366460). This variant has not been reported in the literature in individuals affected with IMPG1-related conditions. This variant is not present in population databases (gnomAD no frequency). This sequence change replaces glutamine, which is neutral and polar, with arginine, which is basic and polar, at codon 269 of the IMPG1 protein (p.Gln269Arg).

NM_001563.4(IMPG1):c.806A>G (p.Gln269Arg)

Gene: IMPG1 (interphotoreceptor matrix proteoglycan 1; minus strand). Cytogenetic location: 6q14.1.
Variant type: single nucleotide variant.
Coding change: c.806A>G on transcript NM_001563.4 (MANE Select); coding-DNA position 806, A replaced by G.
Protein change: p.Gln269Arg; replaces glutamine 269 with arginine.
Molecular consequence: missense variant.
Genome position (GRCh38, 1-based): chr6:76,018,719, T>C on the plus strand (A>G on the coding strand, the complement: IMPG1 is on the minus strand). VCF-style: chr6-76018719-T-C. GRCh37 (hg19) VCF-style: chr6-76728436-T-C.
Other names: c.572A>G, p.Gln191Arg (NM_001282368.2); short protein forms Q269R, Q191R.
Identifiers: ClinVar variation 1366460 (VCV001366460.7), dbSNP rs933093704, ClinGen allele CA141093133.